The following is an entry in ClinVar:

ClinVar aggregate classification (germline): Conflicting classifications of pathogenicity. Review status: criteria provided, conflicting classifications (1 of 4 stars). 3 submissions from 3 submitters: Likely pathogenic (2); Uncertain significance (1). Last evaluated 2025-02-07.

Conditions:
Idiopathic basal ganglia calcification 1 (PFBC1A). Also called: Fahr's syndrome; Cerebral calcification nonarteriosclerotic idiopathic adult-onset; Striopallidodentate calcinosis autosomal dominant adult-onset; Ferrocalcinosis, cerebrovascular; Fahr disease, familial (formerly); Familial Idiopathic Basal Ganglia Calcification 3. Identifiers: Orphanet 1980, MedGen C4551624, MONDO:0024538, OMIM 213600.

Allele frequency attached by ClinVar (database versions not stated): gnomAD exomes below 0.00001.

Submissions (3):

GeneDx
Classification: Likely pathogenic. Last evaluated: 2025-02-07. Review status: criteria provided, single submitter. Criteria: GeneDx Variant Classification Process June 2021. Collection method: clinical testing. Allele origin: germline. Affected: yes.
Comment: Identified in individuals with brain calcifications referred for genetic testing at GeneDx and in published literature (PMID: 24065723, 31003906); In silico analysis supports that this missense variant has a deleterious effect on protein structure/function; In silico analysis supports a deleterious effect on splicing; This variant is associated with the following publications: (PMID: 25212438, 31003906, 30609140, 24065723)

Labcorp Genetics (formerly Invitae), Labcorp
Classification: Uncertain significance. Last evaluated: 2022-01-04. Review status: criteria provided, single submitter. Criteria: Invitae Variant Classification Sherloc (09022015). Collection method: clinical testing. Allele origin: germline.
Comment: In summary, the available evidence is currently insufficient to determine the role of this variant in disease. Therefore, it has been classified as a Variant of Uncertain Significance. Algorithms developed to predict the effect of sequence changes on RNA splicing suggest that this variant may create or strengthen a splice site. Algorithms developed to predict the effect of missense changes on protein structure and function (SIFT, PolyPhen-2, Align-GVGD) all suggest that this variant is likely to be disruptive. This missense change has been observed in individual(s) with clinical features of primary basal ganglia calcification (PMID: 24065723, 30609140, 31003906). The frequency data for this variant in the population databases is considered unreliable, as metrics indicate poor data quality at this position in the gnomAD database. This sequence change replaces glycine, which is neutral and non-polar, with serine, which is neutral and polar, at codon 571 of the SLC20A2 protein (p.Gly571Ser).

Juno Genomics, Hangzhou Juno Genomics, Inc
Classification: Likely pathogenic for Idiopathic basal ganglia calcification 1. Review status: criteria provided, single submitter. Criteria: ACMG Guidelines, 2015. Collection method: clinical testing. Allele origin: germline.
Comment: Absent from controls (or at extremely low frequency if recessive) in Genome Aggregation Database.;Multiple lines of computational evidence support a deleterious effect on the gene or gene product.;Missense variant in a gene that has a low rate of benign missense variation.;The prevalence of the variant in affected individuals is significantly increased compared to the prevalence in controls.

Literature cited by the submitters: PubMed 24065723 (cited by Labcorp Genetics (formerly Invitae), Labcorp); PubMed 30609140 (cited by Labcorp Genetics (formerly Invitae), Labcorp); PubMed 31003906 (cited by Labcorp Genetics (formerly Invitae), Labcorp).

NM_001257180.2(SLC20A2):c.1711G>A (p.Gly571Ser)

Gene: SLC20A2 (solute carrier family 20 member 2; minus strand). Cytogenetic location: 8p11.21.
Variant type: single nucleotide variant.
Coding change: c.1711G>A on transcript NM_001257180.2 (MANE Select); coding-DNA position 1711, G replaced by A.
Protein change: p.Gly571Ser; replaces glycine 571 with serine.
Molecular consequence: missense variant.
Genome position (GRCh38, 1-based): chr8:42,428,841, C>T on the plus strand (G>A on the coding strand, the complement: SLC20A2 is on the minus strand). VCF-style: chr8-42428841-C-T. GRCh37 (hg19) VCF-style: chr8-42286359-C-T.
Other names: c.1711G>A, p.Gly571Ser (NM_001257181.2, NM_006749.5); c.1711G>A (NM_006749.4); short protein forms G571S.
Identifiers: ClinVar variation 2136663 (VCV002136663.7), dbSNP rs1388992742, ClinGen allele CA371095139.